The following is an entry in ClinVar:

NM_000051.4(ATM):c.8795A>G (p.Glu2932Gly)

Genes: ATM (ATM serine/threonine kinase; plus strand), C11orf65 (chromosome 11 open reading frame 65; minus strand). Cytogenetic location: 11q22.3.
Variant type: single nucleotide variant.
Coding change: c.8795A>G on transcript NM_000051.4 (MANE Select); coding-DNA position 8795, A replaced by G.
Protein change: p.Glu2932Gly; replaces glutamic acid 2932 with glycine.
Molecular consequence: missense variant. On other transcripts: intron variant (2).
Genome position (GRCh38, 1-based): chr11:108,354,819, A>G. VCF-style: chr11-108354819-A-G. GRCh37 (hg19) VCF-style: chr11-108225546-A-G.
Other names: c.8795A>G, p.Glu2932Gly (NM_001351834.2); c.640+31101T>C (NM_001330368.2); c.695-19527T>C (NM_001351110.2); short protein forms E2932G.
Identifiers: ClinVar variation 968973 (VCV000968973.11), dbSNP rs2089691352, ClinGen allele CA382525583.

ClinVar aggregate classification (germline): Uncertain significance. Review status: criteria provided, multiple submitters, no conflicts (2 of 4 stars). 2 submissions from 2 submitters: Uncertain significance (2). Last evaluated 2025-06-22.

Conditions:
Hereditary cancer-predisposing syndrome. Also called: Tumor predisposition; Neoplastic Syndromes, Hereditary; Hereditary neoplastic syndrome; Hereditary Cancer Syndrome. Identifiers: Orphanet 140162, MedGen C0027672, MeSH D009386, MONDO:0015356.
Ataxia-telangiectasia syndrome (AT). Also called: Ataxia-telangiectasia, complementation group D; AT, COMPLEMENTATION GROUP C; ATAXIA-TELANGIECTASIA, COMPLEMENTATION GROUP A; ATAXIA-TELANGIECTASIA, FRESNO VARIANT; Ataxia-telangiectasia; Ataxia telangiectasia (A-T). Identifiers: Orphanet 100, MedGen C0004135, MONDO:0008840, OMIM 208900.

Submissions (2):

Ambry Genetics
Classification: Uncertain significance for Hereditary cancer-predisposing syndrome. Last evaluated: 2025-06-22. Review status: criteria provided, single submitter. Criteria: Ambry Variant Classification Scheme 2023. Collection method: clinical testing. Allele origin: germline.
Comment: The p.E2932G variant (also known as c.8795A>G), located in coding exon 60 of the ATM gene, results from an A to G substitution at nucleotide position 8795. The glutamic acid at codon 2932 is replaced by glycine, an amino acid with similar properties. This amino acid position is conserved. In addition, this alteration is predicted to be deleterious by in silico analysis. Based on the available evidence, the clinical significance of this variant remains unclear.

Labcorp Genetics (formerly Invitae), Labcorp
Classification: Uncertain significance for Ataxia-telangiectasia syndrome. Last evaluated: 2022-07-05. Review status: criteria provided, single submitter. Criteria: Invitae Variant Classification Sherloc (09022015). Collection method: clinical testing. Allele origin: germline.
Comment: ClinVar contains an entry for this variant (Variation ID: 968973). In summary, the available evidence is currently insufficient to determine the role of this variant in disease. Therefore, it has been classified as a Variant of Uncertain Significance. Advanced modeling of protein sequence and biophysical properties (such as structural, functional, and spatial information, amino acid conservation, physicochemical variation, residue mobility, and thermodynamic stability) performed at Invitae indicates that this missense variant is expected to disrupt ATM protein function. This missense change has been observed to co-occur in individuals with a different variant in ATM that has been determined to be pathogenic (Invitae), but the significance of this finding is unclear. This variant has not been reported in the literature in individuals affected with ATM-related conditions. This variant is not present in population databases (gnomAD no frequency). This sequence change replaces glutamic acid, which is acidic and polar, with glycine, which is neutral and non-polar, at codon 2932 of the ATM protein (p.Glu2932Gly).